The following is an entry in ClinVar:

NM_003900.5(SQSTM1):c.1172A>G (p.Asp391Gly)

Gene: SQSTM1 (sequestosome 1; plus strand). Cytogenetic location: 5q35.3.
Variant type: single nucleotide variant.
Coding change: c.1172A>G on transcript NM_003900.5 (MANE Select); coding-DNA position 1172, A replaced by G.
Protein change: p.Asp391Gly; replaces aspartic acid 391 with glycine.
Molecular consequence: missense variant.
Genome position (GRCh38, 1-based): chr5:179,836,442, A>G. VCF-style: chr5-179836442-A-G. GRCh37 (hg19) VCF-style: chr5-179263442-A-G.
Other names: p.Asp391Gly; c.920A>G, p.Asp307Gly (NM_001142298.2, NM_001142299.2); short protein forms D307G, D391G.
Identifiers: ClinVar variation 2682914 (VCV002682914.5), dbSNP rs758452325, ClinGen allele CA3600849.
Genomic context (GRCh38, chr5:179,836,442, plus strand): 5'-GGTCACTCACAGGGCTCAGCACCACTCCTCATGGCTTCCTTACTGTTTCGGCAGAGGCTG[A>G]CCCGCGGCTGATTGAGTCCCTCTCCCAGATGCTGTCCATGGGCTTCTCTGATGAAGGCGG-3'
Protein context (NP_003891.1, residues 381-401): ALYPHLPPEA[Asp391Gly]PRLIESLSQM

ClinVar aggregate classification (germline): Uncertain significance. Review status: criteria provided, multiple submitters, no conflicts (2 of 4 stars). 3 submissions from 3 submitters: Uncertain significance (3). Last evaluated 2024-12-22.

Conditions:
Paget disease of bone 2, early-onset (PDB2). Also called: Paget disease of bone 2. Identifiers: MedGen C4085251, MONDO:0011183, OMIM 602080.
Frontotemporal dementia and/or amyotrophic lateral sclerosis 1 (FTDALS1). Also called: C9orf72 Frontotemporal Dementia and/or Amyotrophic Lateral Sclerosis; Frontotemporal dementia with motor neuron disease 1. Identifiers: Orphanet 275872, MedGen C5779877, MONDO:0007105, OMIM 105550.

Allele frequency attached by ClinVar (database versions not stated): TOPMed below 0.00001; ExAC 0.00001; gnomAD exomes 0.00001.
gnomAD v4.1: 10 of 1,614,008 alleles (0.00062%); highest among the groups gnomAD compares: South Asian, 0.0077%; no homozygotes.

Submissions (3):

Labcorp Genetics (formerly Invitae), Labcorp
Classification: Uncertain significance for Paget disease of bone 2, early-onset; Frontotemporal dementia and/or amyotrophic lateral sclerosis 1. Last evaluated: 2024-12-22. Review status: criteria provided, single submitter. Criteria: Invitae Variant Classification Sherloc (09022015). Collection method: clinical testing. Allele origin: germline.
Comment: This sequence change replaces aspartic acid, which is acidic and polar, with glycine, which is neutral and non-polar, at codon 391 of the SQSTM1 protein (p.Asp391Gly). This variant is present in population databases (rs758452325, gnomAD 0.01%). This variant has not been reported in the literature in individuals affected with SQSTM1-related conditions. ClinVar contains an entry for this variant (Variation ID: 2682914). Invitae Evidence Modeling of protein sequence and biophysical properties (such as structural, functional, and spatial information, amino acid conservation, physicochemical variation, residue mobility, and thermodynamic stability) indicates that this missense variant is expected to disrupt SQSTM1 protein function with a positive predictive value of 80%. In summary, the available evidence is currently insufficient to determine the role of this variant in disease. Therefore, it has been classified as a Variant of Uncertain Significance.

Revvity Omics, Revvity
Classification: Uncertain significance. Last evaluated: 2024-09-11. Review status: criteria provided, single submitter. Criteria: ACMG Guidelines, 2015. Collection method: clinical testing. Allele origin: germline.

Mayo Clinic Laboratories, Mayo Clinic
Classification: Uncertain significance. Last evaluated: 2022-02-22. Review status: criteria provided, single submitter. Criteria: ACMG Guidelines, 2015. Collection method: clinical testing. Allele origin: germline. Observed: 1 variant allele.
Comment: PP3